The following is an entry in ClinVar:

ClinVar aggregate classification (germline): Benign/Likely benign. Review status: criteria provided, multiple submitters, no conflicts (2 of 4 stars). 3 submissions from 3 submitters: Benign (1); Likely benign (2). Last evaluated 2025-08-01.

Conditions:
Hereditary cancer-predisposing syndrome. Also called: Hereditary Cancer Syndrome; Neoplastic Syndromes, Hereditary; Tumor predisposition; Hereditary neoplastic syndrome. Identifiers: Orphanet 140162, MedGen C0027672, MeSH D009386, MONDO:0015356.
Fanconi anemia complementation group J. Also called: BRIP1-Related Fanconi Anemia. Identifiers: Orphanet 84, MedGen C1836860, MONDO:0012187, OMIM 609054.
Familial cancer of breast. Also called: Hereditary breast cancer; hereditary breast carcinoma; BREAST CANCER, FAMILIAL. Identifiers: Orphanet 227535, MedGen C0346153, MONDO:0016419, OMIM 114480. Disease mechanism: loss of function.

Allele frequency attached by ClinVar (database versions not stated): gnomAD exomes below 0.00001.
gnomAD v4.1: 1 of 1,614,220 alleles (0.000062%); highest among the groups gnomAD compares: Non-Finnish European, 0.000085%; no homozygotes.

Submissions (3):

Labcorp Genetics (formerly Invitae), Labcorp
Classification: Likely benign for Familial cancer of breast; Fanconi anemia complementation group J. Last evaluated: 2025-08-01. Review status: criteria provided, single submitter. Criteria: Invitae Variant Classification Sherloc (09022015). Collection method: clinical testing. Allele origin: germline.

Myriad Genetics, Inc.
Classification: Benign for Familial cancer of breast. Last evaluated: 2024-09-10. Review status: criteria provided, single submitter. Criteria: Myriad Autosomal Dominant, Autosomal Recessive and X-Linked Classification Criteria (2023). Collection method: clinical testing. Allele origin: unknown.
Comment: This variant is considered benign. This variant is a silent/synonymous amino acid change and it is not expected to impact splicing.

Ambry Genetics
Classification: Likely benign for Hereditary cancer-predisposing syndrome. Last evaluated: 2015-02-11. Review status: criteria provided, single submitter. Criteria: Ambry Variant Classification Scheme 2023. Collection method: clinical testing. Allele origin: germline.

NM_032043.3(BRIP1):c.3267T>C (p.Ser1089=)

Gene: BRIP1 (BRCA1 interacting DNA helicase 1; minus strand). Cytogenetic location: 17q23.2.
Variant type: single nucleotide variant.
Coding change: c.3267T>C on transcript NM_032043.3 (MANE Select); coding-DNA position 3267, T replaced by C.
Protein change: p.Ser1089=; no amino-acid change (serine 1089 retained).
Molecular consequence: synonymous variant.
Genome position (GRCh38, 1-based): chr17:61,683,779, A>G on the plus strand (T>C on the coding strand, the complement: BRIP1 is on the minus strand). VCF-style: chr17-61683779-A-G. GRCh37 (hg19) VCF-style: chr17-59761140-A-G.
Identifiers: ClinVar variation 230392 (VCV000230392.18), dbSNP rs876658543, ClinGen allele CA10580780.